The following is an entry in ClinVar:

NM_001370466.1(NOD2):c.2042G>A (p.Arg681His)

Gene: NOD2 (nucleotide binding oligomerization domain containing 2; plus strand). Cytogenetic location: 16q12.1.
Variant type: single nucleotide variant.
Coding change: c.2042G>A on transcript NM_001370466.1 (MANE Select); coding-DNA position 2042, G replaced by A.
Protein change: p.Arg681His; replaces arginine 681 with histidine.
Molecular consequence: missense variant. On other transcripts: non-coding transcript variant (1).
Genome position (GRCh38, 1-based): chr16:50,712,034, G>A. VCF-style: chr16-50712034-G-A. GRCh37 (hg19) VCF-style: chr16-50745945-G-A.
Other names: p.Arg708His; c.2123G>A (LRG_177t1); c.2042G>A, p.Arg681His (NM_001293557.2); c.2123G>A, p.Arg708His (NM_022162.3); short protein forms R708H, R681H.
Identifiers: ClinVar variation 319459 (VCV000319459.37), dbSNP rs35285618, ClinGen allele CA8051704.

ClinVar aggregate classification (germline): Benign/Likely benign. Review status: criteria provided, multiple submitters, no conflicts (2 of 4 stars). 10 submissions from 9 submitters: Benign (4); Likely benign (4). 2 of the submissions do not count toward it. Last evaluated 2026-03-31.

Conditions:
Inflammatory bowel disease 1 (IBD1). Also called: INFLAMMATORY BOWEL DISEASE (CROHN DISEASE) 1; Inflammatory bowel disease 1, Crohn disease. Identifiers: MedGen CN260071, MONDO:0009960, OMIM 266600.
Blau syndrome (BLAUS). Also called: GRANULOMATOSIS, FAMILIAL JUVENILE SYSTEMIC; GRANULOMATOSIS, FAMILIAL, BLAU TYPE; GRANULOMATOUS INFLAMMATORY ARTHRITIS, DERMATITIS, AND UVEITIS, FAMILIAL; JABS SYNDROME; ARTHROCUTANEOUVEAL GRANULOMATOSIS. Identifiers: Orphanet 90340, MedGen C5201146, MONDO:0008523, OMIM 186580.
Regional enteritis. Also called: Enteritis, Granulomatous. Identifiers: MedGen C0678202, MeSH D003424.

Allele frequency attached by ClinVar (database versions not stated): gnomAD exomes 0.00161; ExAC 0.00202; 1000 Genomes Project 0.00499; 1000 Genomes Project 30x 0.00531; gnomAD 0.00628 and 0.00681; ESP Exome Variant Server 0.00701; TOPMed 0.00708.
gnomAD v4.1: 1,999 of 1,613,072 alleles (0.12%); highest among the groups gnomAD compares: African/African-American, 2.1%; 17 homozygotes.

Submissions (10):

Women's Health and Genetics/Laboratory Corporation of America, LabCorp
Classification: Likely benign. Last evaluated: 2026-03-31. Review status: criteria provided, single submitter. Criteria: LabCorp Variant Classification Summary - May 2015. Collection method: clinical testing. Allele origin: germline.

Labcorp Genetics (formerly Invitae), Labcorp
Classification: Benign for Regional enteritis; Blau syndrome. Last evaluated: 2026-02-01. Review status: criteria provided, single submitter. Criteria: Invitae Variant Classification Sherloc (09022015). Collection method: clinical testing. Allele origin: germline.

Mayo Clinic Laboratories, Mayo Clinic
Classification: Benign. Last evaluated: 2025-09-30. Review status: criteria provided, single submitter. Criteria: ACMG Guidelines, 2015. Collection method: clinical testing. Allele origin: germline. Observed: 1 variant allele.
Comment: BA1, BS2, BP4

CeGaT Center for Human Genetics Tuebingen
Classification: Benign. Last evaluated: 2025-05-01. Review status: criteria provided, single submitter. Criteria: CeGaT Center For Human Genetics Tuebingen Variant Classification Criteria Version 2. Collection method: clinical testing. Allele origin: germline. Affected: yes. Observed: 2 variant alleles.
Comment: NOD2: BP4, BS1, BS2

Blueprint Genetics
Classification: Likely benign. Last evaluated: 2024-11-11. Review status: criteria provided, single submitter. Criteria: ACMG Guidelines, 2015. Collection method: clinical testing. Allele origin: germline.

Illumina Laboratory Services, Illumina
Classification: Likely benign for Inflammatory bowel disease 1. Last evaluated: 2018-01-12. Review status: criteria provided, single submitter. Criteria: ICSL Variant Classification Criteria 13 December 2019. Collection method: clinical testing. Allele origin: germline.
Comment: This variant was observed in the ICSL laboratory as part of a predisposition screen in an ostensibly healthy population. It had not been previously curated by ICSL or reported in the Human Gene Mutation Database (HGMD: prior to June 1st, 2018), and was therefore a candidate for classification through an automated scoring system. Utilizing variant allele frequency, disease prevalence and penetrance estimates, and inheritance mode, an automated score was calculated to assess if this variant is too frequent to cause the disease. Based on the score and internal cut-off values, a variant classified as likely benign is not then subjected to further curation. The score for this variant resulted in a classification of likely benign for this disease.

Illumina Laboratory Services, Illumina
Classification: Benign for Blau syndrome. Last evaluated: 2018-01-12. Review status: criteria provided, single submitter. Criteria: ICSL Variant Classification Criteria 13 December 2019. Collection method: clinical testing. Allele origin: germline.
Comment: This variant was observed in the ICSL laboratory as part of a predisposition screen in an ostensibly healthy population. It had not been previously curated by ICSL or reported in the Human Gene Mutation Database (HGMD: prior to June 1st, 2018), and was therefore a candidate for classification through an automated scoring system. Utilizing variant allele frequency, disease prevalence and penetrance estimates, and inheritance mode, an automated score was calculated to assess if this variant is too frequent to cause the disease. Based on the score and internal cut-off values, a variant classified as benign is not then subjected to further curation. The score for this variant resulted in a classification of benign for this disease.

Breakthrough Genomics
Classification: Likely benign. Review status: criteria provided, single submitter. Criteria: ACMG Guidelines, 2015. Collection method: not provided. Allele origin: germline. Inheritance: Autosomal dominant inheritance. Affected: yes.

Clinical Genetics DNA and cytogenetics Diagnostics Lab, Erasmus MC, Erasmus Medical Center
Classification: Benign. Review status: no assertion criteria provided. Collection method: clinical testing. Allele origin: germline. Affected: yes. Study: VKGL Data-share Consensus. Not counted in ClinVar's aggregate classification.

Genome Diagnostics Laboratory, University Medical Center Utrecht
Classification: Benign. Review status: no assertion criteria provided. Collection method: clinical testing. Allele origin: germline. Affected: yes. Study: VKGL Data-share Consensus. Not counted in ClinVar's aggregate classification.

Literature cited by the submitters: PubMed 32463623 (cited by Mayo Clinic Laboratories, Mayo Clinic).